The following is an entry in ClinVar:

NM_016302.4(CRBN):c.1071T>C (p.His357=)

Genes: CRBN (cereblon; minus strand), TRNT1 (tRNA nucleotidyl transferase 1; plus strand). Cytogenetic location: 3p26.2.
Variant type: single nucleotide variant.
Coding change: c.1071T>C on transcript NM_016302.4 (MANE Select); coding-DNA position 1071, T replaced by C.
Protein change: p.His357=; no amino-acid change (histidine 357 retained).
Molecular consequence: synonymous variant. On other transcripts: 3 prime UTR variant (1), non-coding transcript variant (4).
Genome position (GRCh38, 1-based): chr3:3,152,533, A>G on the plus strand (T>C on the coding strand, the complement: CRBN is on the minus strand). VCF-style: chr3-3152533-A-G. GRCh37 (hg19) VCF-style: chr3-3194217-A-G.
Other names: c.*2027A>G (NM_001367321.1); c.1068T>C, p.His356= (NM_001173482.1).
Identifiers: ClinVar variation 2653444 (VCV002653444.22), dbSNP rs1177099657, ClinGen allele CA432115311.
Genomic context (GRCh38, chr3:3,152,533, plus strand): 5'-TTCTGTAGAAGGCCGGCCTATCAGATTCAAGTTGCAAGCCTTATACACAGTAAGTGTCTC[A>G]TGCACATATCCATGAGGATTCACATAAGCTGCCATCGGCCCACATAAGGATAAACTAAAA-3'
Protein context (NP_057386.2, residues 347-367): AAYVNPHGYV[His357=]ETLTVYKACN

ClinVar aggregate classification (germline): Likely benign (1 of 4 stars; one submission).

gnomAD v4.1: 8 of 1,614,116 alleles (0.0005%); highest among the groups gnomAD compares: Middle Eastern, 0.033%; no homozygotes.

Submission:

CeGaT Center for Human Genetics Tuebingen
Classification: Likely benign. Last evaluated: 2023-08-01. Review status: criteria provided, single submitter. Criteria: CeGaT Center For Human Genetics Tuebingen Variant Classification Criteria Version 2. Collection method: clinical testing. Allele origin: germline. Affected: yes. Observed: 2 variant alleles.
Comment: CRBN: PM2:Supporting, BP4, BP7